The following is an entry in ClinVar:

ClinVar aggregate classification (germline): Uncertain significance. Review status: criteria provided, multiple submitters, no conflicts (2 of 4 stars). 2 submissions from 2 submitters: Uncertain significance (2). Last evaluated 2025-06-29.

Conditions:
Cone-rod dystrophy 6 (CORD6). Also called: Cone dystrophy progressive; RETINAL CONE DYSTROPHY 2. Identifiers: Orphanet 1872, MedGen C1866293, MONDO:0011143, OMIM 601777.
Leber congenital amaurosis 1 (LCA1). Also called: Congenital absence of the rods and cones; Leber's congenital tapetoretinal degeneration; Leber's congenital tapetoretinal dysplasia; AMAUROSIS CONGENITA OF LEBER I; RETINAL BLINDNESS, CONGENITAL. Identifiers: Orphanet 65, MedGen C2931258, MONDO:0008764, OMIM 204000.

Allele frequency attached by ClinVar (database versions not stated): TOPMed 0.00002; gnomAD exomes 0.00003 and 0.00004; gnomAD 0.00004; ExAC 0.00006; ESP Exome Variant Server 0.00008.
gnomAD v4.1: 52 of 1,613,856 alleles (0.0032%); highest among the groups gnomAD compares: East Asian, 0.011%; no homozygotes.

Submissions (2):

Labcorp Genetics (formerly Invitae), Labcorp
Classification: Uncertain significance for Leber congenital amaurosis 1; Cone-rod dystrophy 6. Last evaluated: 2025-06-29. Review status: criteria provided, single submitter. Criteria: Invitae Variant Classification Sherloc (09022015). Collection method: clinical testing. Allele origin: germline.
Comment: This sequence change replaces arginine, which is basic and polar, with glutamine, which is neutral and polar, at codon 670 of the GUCY2D protein (p.Arg670Gln). This variant is present in population databases (rs369222553, gnomAD 0.02%). This missense change has been observed in individual(s) with autosomal recessive GUCY2D-related conditions. (internal data). ClinVar contains an entry for this variant (Variation ID: 1461554). Invitae Evidence Modeling of protein sequence and biophysical properties (such as structural, functional, and spatial information, amino acid conservation, physicochemical variation, residue mobility, and thermodynamic stability) has been performed for this missense variant. However, the output from this modeling did not meet the statistical confidence thresholds required to predict the impact of this variant on GUCY2D protein function. This variant disrupts the p.Arg670 amino acid residue in GUCY2D. Other variant(s) that disrupt this residue have been observed in individuals with GUCY2D-related conditions (PMID: 26047050; internal data), which suggests that this may be a clinically significant amino acid residue. In summary, the available evidence is currently insufficient to determine the role of this variant in disease. Therefore, it has been classified as a Variant of Uncertain Significance.

Blueprint Genetics
Classification: Uncertain significance. Last evaluated: 2022-03-01. Review status: criteria provided, single submitter. Criteria: ACMG Guidelines, 2015. Collection method: clinical testing. Allele origin: germline.

Literature cited by the submitters: PubMed 26047050 (cited by Labcorp Genetics (formerly Invitae), Labcorp).

NM_000180.4(GUCY2D):c.2009G>A (p.Arg670Gln)

Gene: GUCY2D (guanylate cyclase 2D, retinal; plus strand). Cytogenetic location: 17p13.1.
Variant type: single nucleotide variant.
Coding change: c.2009G>A on transcript NM_000180.4 (MANE Select); coding-DNA position 2009, G replaced by A.
Protein change: p.Arg670Gln; replaces arginine 670 with glutamine.
Molecular consequence: missense variant.
Genome position (GRCh38, 1-based): chr17:8,012,502, G>A. VCF-style: chr17-8012502-G-A. GRCh37 (hg19) VCF-style: chr17-7915820-G-A.
Other names: short protein forms R670Q.
Identifiers: ClinVar variation 1461554 (VCV001461554.5), dbSNP rs369222553, ClinGen allele CA8365967.
Genomic context (GRCh38, chr17:8,012,502, plus strand): 5'-ATTCCAAGGGAATAAGGTATCTGCACCATCGAGGCGTGGCTCATGGGCGGCTGAAGTCAC[G>A]GAACTGCATAGTGGATGGCAGATTCGTACTCAAGATCACTGACCACGGCCACGGGAGACT-3'
Protein context (NP_000171.1, residues 660-680): RGVAHGRLKS[Arg670Gln]NCIVDGRFVL